The following is an entry in ClinVar:

ClinVar aggregate classification (germline): Uncertain significance (1 of 4 stars; one submission).

Conditions:
Ellis-van Creveld syndrome (EVC). Also called: MESOECTODERMAL DYSPLASIA; Chondroectodermal dysplasia; EVC-Related Ellis-van Creveld Syndrome; EVC2-Related Ellis-van Creveld Syndrome. Identifiers: Orphanet 289, MedGen C0013903, MONDO:0009162, OMIM 225500.
Curry-Hall syndrome (WAD). Also called: WEYERS ACRODENTAL DYSOSTOSIS. Identifiers: Orphanet 952, MedGen C0457013, MONDO:0008673, OMIM 193530.

Allele frequency attached by ClinVar (database versions not stated): gnomAD exomes 0.00002; 1000 Genomes Project 30x 0.00016; 1000 Genomes Project 0.00020.
gnomAD v4.1: 24 of 1,614,164 alleles (0.0015%); highest among the groups gnomAD compares: African/African-American, 0.0053%; 1 homozygote.

Submission:

Labcorp Genetics (formerly Invitae), Labcorp
Classification: Uncertain significance for Curry-Hall syndrome; Ellis-van Creveld syndrome. Last evaluated: 2021-09-24. Review status: criteria provided, single submitter. Criteria: Invitae Variant Classification Sherloc (09022015). Collection method: clinical testing. Allele origin: germline.
Comment: This sequence change replaces serine with leucine at codon 983 of the EVC2 protein (p.Ser983Leu). The serine residue is weakly conserved and there is a large physicochemical difference between serine and leucine. This variant is present in population databases (rs536732931, ExAC 0.006%). This variant has not been reported in the literature in individuals with EVC2-related conditions. Algorithms developed to predict the effect of missense changes on protein structure and function (SIFT, PolyPhen-2, Align-GVGD) all suggest that this variant is likely to be tolerated, but these predictions have not been confirmed by published functional studies and their clinical significance is uncertain. In summary, the available evidence is currently insufficient to determine the role of this variant in disease. Therefore, it has been classified as a Variant of Uncertain Significance.

NM_147127.5(EVC2):c.2948C>T (p.Ser983Leu)

Gene: EVC2 (EvC ciliary complex subunit 2; minus strand). Cytogenetic location: 4p16.2.
Variant type: single nucleotide variant.
Coding change: c.2948C>T on transcript NM_147127.5 (MANE Select); coding-DNA position 2948, C replaced by T.
Protein change: p.Ser983Leu; replaces serine 983 with leucine.
Molecular consequence: missense variant.
Genome position (GRCh38, 1-based): chr4:5,584,732, G>A on the plus strand (C>T on the coding strand, the complement: EVC2 is on the minus strand). VCF-style: chr4-5584732-G-A. GRCh37 (hg19) VCF-style: chr4-5586459-G-A.
Other names: c.2708C>T, p.Ser903Leu (NM_001166136.2); short protein forms S903L, S983L.
Identifiers: ClinVar variation 1414082 (VCV001414082.6), dbSNP rs536732931, ClinGen allele CA2834508.
Genomic context (GRCh38, chr4:5,584,732, plus strand): 5'-TCAGATGCACTCAGCTCTTCCAGGAGCAAGTCCTGGATGCTGAGGAGGGCGGTGTAGGCC[G>A]ACAGAGTCTCGGTCACCCGGGACGCCTTCTGGAACTGCAGAGCAACAAGCGACTGTGCAA-3'
Protein context (NP_667338.3, residues 973-993): QKASRVTETL[Ser983Leu]AYTALLSIQD